The following is an entry in ClinVar:

NM_033100.4(CDHR1):c.348+7G>T

Gene: CDHR1 (cadherin related family member 1; plus strand). Cytogenetic location: 10q23.1.
Variant type: single nucleotide variant.
Coding change: c.348+7G>T on transcript NM_033100.4 (MANE Select); 7 bases into the intron after coding-DNA position 348, G replaced by T.
Molecular consequence: intron variant.
Genome position (GRCh38, 1-based): chr10:84,197,843, G>T. VCF-style: chr10-84197843-G-T. GRCh37 (hg19) VCF-style: chr10-85957599-G-T.
Other names: c.348+7G>T (NM_001171971.3).
Identifiers: ClinVar variation 1094260 (VCV001094260.11), dbSNP rs537000214, ClinGen allele CA5579513.
Genomic context (GRCh38, chr10:84,197,843, plus strand): 5'-CAGAGGGAAGATGAGATTGAAGCCATCATCAGCATTTCTGATGGCCTGAATCTGGTGAGT[G>T]CACGTCCAAGGCAGTCCCTGGCAGCCTGCAGTATTTGGGCCTGAGAAGGGTGAGGCTGGC-3'

ClinVar aggregate classification (germline): Conflicting classifications of pathogenicity. Review status: criteria provided, conflicting classifications (1 of 4 stars). 3 submissions from 3 submitters: Uncertain significance (1); Likely benign (2). Last evaluated 2026-07-01.

Allele frequency attached by ClinVar (database versions not stated): gnomAD exomes 0.00008; ExAC 0.00009; 1000 Genomes Project 30x 0.00047; 1000 Genomes Project 0.00060.
gnomAD v4.1: 71 of 1,613,304 alleles (0.0044%); highest among the groups gnomAD compares: South Asian, 0.077%; no homozygotes.

Submissions (3):

CeGaT Center for Human Genetics Tuebingen
Classification: Uncertain significance. Last evaluated: 2026-07-01. Review status: criteria provided, single submitter. Criteria: CeGaT Center For Human Genetics Tuebingen Variant Classification Criteria Version 2. Collection method: clinical testing. Allele origin: germline. Affected: yes. Observed: 1 variant allele.
Comment: CDHR1: PM2, BP4

Blueprint Genetics
Classification: Likely benign. Last evaluated: 2022-11-07. Review status: criteria provided, single submitter. Criteria: ACMG Guidelines, 2015. Collection method: clinical testing. Allele origin: germline.

Labcorp Genetics (formerly Invitae), Labcorp
Classification: Likely benign. Last evaluated: 2022-05-08. Review status: criteria provided, single submitter. Criteria: Invitae Variant Classification Sherloc (09022015). Collection method: clinical testing. Allele origin: germline.